The following is an entry in ClinVar:

ClinVar aggregate classification (germline): Uncertain significance. Review status: criteria provided, multiple submitters, no conflicts (2 of 4 stars). 2 submissions from 2 submitters: Uncertain significance (2). Last evaluated 2020-08-28.

Conditions:
Deafness-lymphedema-leukemia syndrome. Also called: Emberger syndrome; Lymphedema, primary, with myelodysplasia. Identifiers: Orphanet 3226, MedGen C3279664, MONDO:0013540, OMIM 614038.
Monocytopenia with susceptibility to infections. Also called: IMMUNODEFICIENCY 21; GATA2 DEFICIENCY; MONOCYTOPENIA AND MYCOBACTERIAL INFECTION SYNDROME; MONOCYTOPENIA WITH SUSCEPTIBILITY TO MYCOBACTERIAL, FUNGAL, AND PAPILLOMAVIRUS INFECTIONS AND MYELODYSPLASIA; COMBINED IMMUNODEFICIENCY WITH SUSCEPTIBILITY TO MYCOBACTERIAL, VIRAL, AND FUNGAL INFECTIONS; Dendritic cell, monocyte, B lymphocyte, and natural killer lymphocyte deficiency. Identifiers: Orphanet 228423, MedGen C3280030, MONDO:0013607, OMIM 614172.

Submissions (2):

GeneDx
Classification: Uncertain significance. Last evaluated: 2020-08-28. Review status: criteria provided, single submitter. Criteria: GeneDx Variant Classification Process June 2021. Collection method: clinical testing. Allele origin: germline. Affected: yes.
Comment: Not observed in large population cohorts (Lek et al., 2016); In silico analysis supports that this missense variant has a deleterious effect on protein structure/function; Has not been previously published as pathogenic or benign to our knowledge

Labcorp Genetics (formerly Invitae), Labcorp
Classification: Uncertain significance for Monocytopenia with susceptibility to infections; Deafness-lymphedema-leukemia syndrome. Last evaluated: 2020-06-28. Review status: criteria provided, single submitter. Criteria: Invitae Variant Classification Sherloc (09022015). Collection method: clinical testing. Allele origin: germline.
Comment: In summary, the available evidence is currently insufficient to determine the role of this variant in disease. Therefore, it has been classified as a Variant of Uncertain Significance. Algorithms developed to predict the effect of missense changes on protein structure and function (SIFT, PolyPhen-2, Align-GVGD) all suggest that this variant is likely to be disruptive, but these predictions have not been confirmed by published functional studies and their clinical significance is uncertain. This variant has not been reported in the literature in individuals with GATA2-related conditions. This variant is not present in population databases (ExAC no frequency). This sequence change replaces isoleucine with threonine at codon 393 of the GATA2 protein (p.Ile393Thr). The isoleucine residue is highly conserved and there is a moderate physicochemical difference between isoleucine and threonine.

NM_032638.5(GATA2):c.1178T>C (p.Ile393Thr)

Gene: GATA2 (GATA binding protein 2; minus strand). Cytogenetic location: 3q21.3.
Variant type: single nucleotide variant.
Coding change: c.1178T>C on transcript NM_032638.5 (MANE Select); coding-DNA position 1178, T replaced by C.
Protein change: p.Ile393Thr; replaces isoleucine 393 with threonine.
Molecular consequence: missense variant.
Genome position (GRCh38, 1-based): chr3:128,481,284, A>G on the plus strand (T>C on the coding strand, the complement: GATA2 is on the minus strand). VCF-style: chr3-128481284-A-G. GRCh37 (hg19) VCF-style: chr3-128200127-A-G.
Other names: c.1178T>C, p.Ile393Thr (NM_001145661.2); c.1136T>C, p.Ile379Thr (NM_001145662.1); short protein forms I379T, I393T.
Identifiers: ClinVar variation 1043381 (VCV001043381.10), dbSNP rs2068625277, ClinGen allele CA354413273.